The following is an entry in ClinVar:

ClinVar aggregate classification (germline): Conflicting classifications of pathogenicity. Review status: criteria provided, conflicting classifications (1 of 4 stars). 2 submissions from 2 submitters: Uncertain significance (1); Likely benign (1). Last evaluated 2024-10-01.

gnomAD v4.1: 18 of 1,613,882 alleles (0.0011%); highest among the groups gnomAD compares: East Asian, 0.016%; no homozygotes.

Submissions (2):

CeGaT Center for Human Genetics Tuebingen
Classification: Likely benign. Last evaluated: 2024-10-01. Review status: criteria provided, single submitter. Criteria: CeGaT Center For Human Genetics Tuebingen Variant Classification Criteria Version 2. Collection method: clinical testing. Allele origin: germline. Affected: yes. Observed: 1 variant allele.
Comment: ASXL1: BP4, BS2

Labcorp Genetics (formerly Invitae), Labcorp
Classification: Uncertain significance. Last evaluated: 2024-02-24. Review status: criteria provided, single submitter. Criteria: Invitae Variant Classification Sherloc (09022015). Collection method: clinical testing. Allele origin: germline.
Comment: This sequence change replaces proline, which is neutral and non-polar, with leucine, which is neutral and non-polar, at codon 1322 of the ASXL1 protein (p.Pro1322Leu). This variant is present in population databases (rs141930107, gnomAD 0.03%). This variant has not been reported in the literature in individuals affected with ASXL1-related conditions. Algorithms developed to predict the effect of missense changes on protein structure and function output the following: SIFT: "Not Available"; PolyPhen-2: "Benign"; Align-GVGD: "Not Available". The leucine amino acid residue is found in multiple mammalian species, which suggests that this missense change does not adversely affect protein function. In summary, the available evidence is currently insufficient to determine the role of this variant in disease. Therefore, it has been classified as a Variant of Uncertain Significance.

NM_015338.6(ASXL1):c.3965C>T (p.Pro1322Leu)

Gene: ASXL1 (ASXL transcriptional regulator 1; plus strand). Cytogenetic location: 20q11.21.
Variant type: single nucleotide variant.
Coding change: c.3965C>T on transcript NM_015338.6 (MANE Select); coding-DNA position 3965, C replaced by T.
Protein change: p.Pro1322Leu; replaces proline 1322 with leucine.
Molecular consequence: missense variant.
Genome position (GRCh38, 1-based): chr20:32,436,677, C>T. VCF-style: chr20-32436677-C-T. GRCh37 (hg19) VCF-style: chr20-31024480-C-T.
Other names: c.3782C>T, p.Pro1261Leu (NM_001363734.1); short protein forms P1261L, P1322L.
Identifiers: ClinVar variation 3389325 (VCV003389325.16).